The following is an entry in ClinVar:

NM_001375524.1(TRRAP):c.11291C>T (p.Ala3764Val)

Gene: TRRAP (transformation/transcription domain associated protein; plus strand). Cytogenetic location: 7q22.1.
Variant type: single nucleotide variant.
Coding change: c.11291C>T on transcript NM_001375524.1 (MANE Select); coding-DNA position 11291, C replaced by T.
Protein change: p.Ala3764Val; replaces alanine 3764 with valine.
Molecular consequence: missense variant.
Genome position (GRCh38, 1-based): chr7:99,011,489, C>T. VCF-style: chr7-99011489-C-T. GRCh37 (hg19) VCF-style: chr7-98609112-C-T.
Other names: c.11249C>T (NM_001244580.1); c.11249C>T, p.Ala3750Val (NM_001244580.2); c.11162C>T, p.Ala3721Val (NM_003496.4); short protein forms A3721V, A3750V, A3764V.
Identifiers: ClinVar variation 2582431 (VCV002582431.3), dbSNP rs1212619468, ClinGen allele CA368343574.

ClinVar aggregate classification (germline): Uncertain significance. Review status: criteria provided, multiple submitters, no conflicts (2 of 4 stars). 4 submissions from 3 submitters: Uncertain significance (4). Last evaluated 2026-07-23.

Conditions:
Developmental delay with or without dysmorphic facies and autism. Identifiers: MedGen C5193106, MONDO:0032760, OMIM 618454.
Hearing loss, autosomal dominant 75. Also called: DEAFNESS, AUTOSOMAL DOMINANT 75. Identifiers: MedGen C5394059, MONDO:0032911, OMIM 618778.
Inborn genetic diseases. Identifiers: MedGen C0950123, MeSH D030342.

Allele frequency attached by ClinVar (database versions not stated): TOPMed 0.00001; gnomAD exomes below 0.00001.
gnomAD v4.1: 7 of 1,614,248 alleles (0.00043%); highest among the groups gnomAD compares: Non-Finnish European, 0.00042%; no homozygotes.

Submissions (4):

Ambry Genetics
Classification: Uncertain significance for Inborn genetic diseases. Last evaluated: 2026-07-23. Review status: criteria provided, single submitter. Criteria: Ambry Variant Classification Scheme 2023. Collection method: clinical testing. Allele origin: germline.

Labcorp Genetics (formerly Invitae), Labcorp
Classification: Uncertain significance. Last evaluated: 2025-09-10. Review status: criteria provided, single submitter. Criteria: Invitae Variant Classification Sherloc (09022015). Collection method: clinical testing. Allele origin: germline.
Comment: This sequence change replaces alanine, which is neutral and non-polar, with valine, which is neutral and non-polar, at codon 3721 of the TRRAP protein (p.Ala3721Val). This variant is not present in population databases (gnomAD no frequency). This variant has not been reported in the literature in individuals affected with TRRAP-related conditions. ClinVar contains an entry for this variant (Variation ID: 2582431). Invitae Evidence Modeling of protein sequence and biophysical properties (such as structural, functional, and spatial information, amino acid conservation, physicochemical variation, residue mobility, and thermodynamic stability) indicates that this missense variant is not expected to disrupt TRRAP protein function with a negative predictive value of 80%. In summary, the available evidence is currently insufficient to determine the role of this variant in disease. Therefore, it has been classified as a Variant of Uncertain Significance.

Baylor Genetics
Classification: Uncertain significance for Developmental delay with or without dysmorphic facies and autism. Last evaluated: 2023-08-26. Review status: criteria provided, single submitter. Criteria: ACMG Guidelines, 2015. Collection method: clinical testing. Allele origin: unknown.

Baylor Genetics
Classification: Uncertain significance for Hearing loss, autosomal dominant 75. Last evaluated: 2023-08-26. Review status: criteria provided, single submitter. Criteria: ACMG Guidelines, 2015. Collection method: clinical testing. Allele origin: unknown.